The following is an entry in ClinVar:

NM_002522.4(NPTX1):c.836C>G (p.Ala279Gly)

Gene: NPTX1 (neuronal pentraxin 1; minus strand). Cytogenetic location: 17q25.3.
Variant type: single nucleotide variant.
Coding change: c.836C>G on transcript NM_002522.4 (MANE Select); coding-DNA position 836, C replaced by G.
Protein change: p.Ala279Gly; replaces alanine 279 with glycine.
Molecular consequence: missense variant.
Genome position (GRCh38, 1-based): chr17:80,473,261, G>C on the plus strand (C>G on the coding strand, the complement: NPTX1 is on the minus strand). VCF-style: chr17-80473261-G-C. GRCh37 (hg19) VCF-style: chr17-78447061-G-C.
Other names: short protein forms A279G.
Identifiers: ClinVar variation 3900520 (VCV003900520.1).
Genomic context (GRCh38, chr17:80,473,261, plus strand): 5'-TTGTCATTGATGAGGATCTCCATGGGGTTGTTGCCCCACTCAATGAGGACCAGCTCGTTG[G>C]CCTGGCCGGGCACAGCGTAGGAGAAGGGCGTGCCCACACCTGGCGTGGCGCTGGACTTGA-3'
Protein context (NP_002513.2, residues 269-289): TPFSYAVPGQ[Ala279Gly]NELVLIEWGN

ClinVar aggregate classification (germline): Uncertain significance (1 of 4 stars; one submission).

gnomAD v4.1: 1 of 1,613,806 alleles (0.000062%); highest among the groups gnomAD compares: Non-Finnish European, 0.000085%; no homozygotes.

Submission:

GeneDx
Classification: Uncertain significance. Last evaluated: 2024-11-24. Review status: criteria provided, single submitter. Criteria: GeneDx Variant Classification Process June 2021. Collection method: clinical testing. Allele origin: germline. Affected: yes.
Comment: Not observed at significant frequency in large population cohorts (gnomAD); In silico analysis supports that this missense variant has a deleterious effect on protein structure/function; Has not been previously published as pathogenic or benign to our knowledge